The following is an entry in ClinVar:

ClinVar aggregate classification (germline): Pathogenic (1 of 4 stars; one submission).

Conditions:
Autoimmune lymphoproliferative syndrome type 2B. Also called: AUTOIMMUNE LYMPHOPROLIFERATIVE SYNDROME, TYPE IIB. Identifiers: Orphanet 275517, MedGen C1846545, MONDO:0011804, OMIM 607271.

Allele frequency attached by ClinVar (database versions not stated): gnomAD exomes below 0.00001.

Submission:

Labcorp Genetics (formerly Invitae), Labcorp
Classification: Pathogenic for Autoimmune lymphoproliferative syndrome type 2B. Last evaluated: 2021-12-08. Review status: criteria provided, single submitter. Criteria: Invitae Variant Classification Sherloc (09022015). Collection method: clinical testing. Allele origin: germline.
Comment: For these reasons, this variant has been classified as Pathogenic. This variant has not been reported in the literature in individuals affected with CASP8-related conditions. This sequence change creates a premature translational stop signal (p.Gln244*) in the CASP8 gene. It is expected to result in an absent or disrupted protein product. Loss-of-function variants in CASP8 are known to be pathogenic (PMID: 12353035, 25814141). This variant is not present in population databases (gnomAD no frequency).

Literature cited by the submitters: PubMed 12353035; PubMed 25814141.

NM_001372051.1(CASP8):c.679C>T (p.Gln227Ter)

Gene: CASP8 (caspase 8; plus strand). Cytogenetic location: 2q33.1.
Variant type: single nucleotide variant.
Coding change: c.679C>T on transcript NM_001372051.1 (MANE Select); coding-DNA position 679, C replaced by T.
Protein change: p.Gln227Ter; replaces glutamine 227 with a stop codon.
Molecular consequence: nonsense. On other transcripts: missense variant (1), non-coding transcript variant (21), intron variant (4).
Genome position (GRCh38, 1-based): chr2:201,276,845, C>T. VCF-style: chr2-201276845-C-T. GRCh37 (hg19) VCF-style: chr2-202141568-C-T.
Other names: c.634C>T, p.Gln212Ter (NM_001080124.2, NM_001400658.1, NM_001400659.1 and 5 more transcripts); c.856C>T, p.Gln286Ter (NM_001080125.2); c.730C>T, p.Gln244Ter (NM_001228.5); c.811C>T, p.Gln271Ter (NM_001400642.1); c.712C>T, p.Gln238Ter (NM_001400645.1); c.679C>T, p.Gln227Ter (NM_001400648.1, NM_001400651.1, NM_001400653.1 and 6 more transcripts); c.610C>T, p.Gln204Ter (NM_001400664.1); c.370C>T, p.Gln124Ter (NM_001400669.1); and 7 more; short protein forms Q204*, Q22*, Q244*, Q28*, P205L, Q124*, Q227*, Q238*.
Identifiers: ClinVar variation 2037856 (VCV002037856.4), dbSNP rs143410219, ClinGen allele CA350293696.